The following is an entry in ClinVar:

ClinVar aggregate classification (germline): Uncertain significance (1 of 4 stars; one submission).

Submission:

Labcorp Genetics (formerly Invitae), Labcorp
Classification: Uncertain significance. Last evaluated: 2025-03-10. Review status: criteria provided, single submitter. Criteria: Invitae Variant Classification Sherloc (09022015). Collection method: clinical testing. Allele origin: germline.
Comment: This sequence change replaces lysine, which is basic and polar, with arginine, which is basic and polar, at codon 86 of the JAK1 protein (p.Lys86Arg). This variant is not present in population databases (gnomAD no frequency). This variant has not been reported in the literature in individuals affected with JAK1-related conditions. An algorithm developed to predict the effect of missense changes on protein structure and function outputs the following: PolyPhen-2: "Benign". The arginine amino acid residue is found in multiple mammalian species, which suggests that this missense change does not adversely affect protein function. In summary, the available evidence is currently insufficient to determine the role of this variant in disease. Therefore, it has been classified as a Variant of Uncertain Significance.

NM_002227.4(JAK1):c.257A>G (p.Lys86Arg)

Gene: JAK1 (Janus kinase 1; minus strand). Cytogenetic location: 1p31.3.
Variant type: single nucleotide variant.
Coding change: c.257A>G on transcript NM_002227.4 (MANE Select); coding-DNA position 257, A replaced by G.
Protein change: p.Lys86Arg; replaces lysine 86 with arginine.
Molecular consequence: missense variant.
Genome position (GRCh38, 1-based): chr1:64,879,097, T>C on the plus strand (A>G on the coding strand, the complement: JAK1 is on the minus strand). VCF-style: chr1-64879097-T-C. GRCh37 (hg19) VCF-style: chr1-65344780-T-C.
Other names: c.257A>G, p.Lys86Arg (NM_001320923.2, NM_001321852.2, NM_001321853.2 and 4 more transcripts); short protein forms K86R.
Identifiers: ClinVar variation 4771143 (VCV004771143.1).